The following is an entry in ClinVar:

ClinVar aggregate classification (germline): Uncertain significance (1 of 4 stars; one submission).

Conditions:
Amyotrophic lateral sclerosis type 1 (ALS1). Also called: AMYOTROPHIC LATERAL SCLEROSIS 1, FAMILIAL. Identifiers: Orphanet 803, MedGen C1862939, MONDO:0007103, OMIM 105400.
Neuronopathy, distal hereditary motor, type 7B. Also called: NEURONOPATHY, DISTAL HEREDITARY MOTOR, AUTOSOMAL DOMINANT 14; NEURONOPATHY, DISTAL HEREDITARY MOTOR, HARDING TYPE VIIB; NEUROPATHY, DISTAL HEREDITARY MOTOR, HARDING TYPE VIIB; NEUROPATHY, DISTAL HEREDITARY MOTOR, WITH VOCAL CORD PARALYSIS, HARDING TYPE VIIB; HMN VIIB; LOWER MOTOR NEURON DISEASE, DYNACTIN TYPE. Identifiers: Orphanet 139589, MedGen C1843315, MONDO:0011879, OMIM 607641.
Perry syndrome. Also called: PARKINSONISM WITH ALVEOLAR HYPOVENTILATION AND MENTAL DEPRESSION. Identifiers: Orphanet 178509, MedGen C1868594, MONDO:0008201, OMIM 168605.

gnomAD v4.1: 5 of 1,614,154 alleles (0.00031%); highest among the groups gnomAD compares: East Asian, 0.0022%; no homozygotes.

Submission:

Labcorp Genetics (formerly Invitae), Labcorp
Classification: Uncertain significance for Amyotrophic lateral sclerosis type 1; Neuronopathy, distal hereditary motor, type 7B; Perry syndrome. Last evaluated: 2022-02-19. Review status: criteria provided, single submitter. Criteria: Invitae Variant Classification Sherloc (09022015). Collection method: clinical testing. Allele origin: germline.
Comment: This variant is present in population databases (no rsID available, gnomAD 0.0009%). This sequence change replaces aspartic acid, which is acidic and polar, with glutamic acid, which is acidic and polar, at codon 333 of the DCTN1 protein (p.Asp333Glu). This missense change has been observed in individual(s) with DCTN1-related conditions (PMID: 23143281). In summary, the available evidence is currently insufficient to determine the role of this variant in disease. Therefore, it has been classified as a Variant of Uncertain Significance. Experimental studies have shown that this missense change does not substantially affect DCTN1 function (PMID: 23143281). Algorithms developed to predict the effect of missense changes on protein structure and function output the following: SIFT: "Tolerated"; PolyPhen-2: "Benign"; Align-GVGD: "Class C0". The glutamic acid amino acid residue is found in multiple mammalian species, which suggests that this missense change does not adversely affect protein function.

Literature cited by the submitters: PubMed 23143281.

NM_004082.5(DCTN1):c.999C>A (p.Asp333Glu)

Gene: DCTN1 (dynactin subunit 1; minus strand). Cytogenetic location: 2p13.1.
Variant type: single nucleotide variant.
Coding change: c.999C>A on transcript NM_004082.5 (MANE Select); coding-DNA position 999, C replaced by A.
Protein change: p.Asp333Glu; replaces aspartic acid 333 with glutamic acid.
Molecular consequence: missense variant. On other transcripts: non-coding transcript variant (1).
Genome position (GRCh38, 1-based): chr2:74,370,670, G>T on the plus strand (C>A on the coding strand, the complement: DCTN1 is on the minus strand). VCF-style: chr2-74370670-G-T. GRCh37 (hg19) VCF-style: chr2-74597797-G-T.
Other names: c.939C>A, p.Asp313Glu (NM_001135040.3); c.597C>A, p.Asp199Glu (NM_001135041.3, NM_023019.4); c.888C>A, p.Asp296Glu (NM_001190836.2); c.978C>A, p.Asp326Glu (NM_001190837.2); c.948C>A, p.Asp316Glu (NM_001378991.1); c.930C>A, p.Asp310Glu (NM_001378992.1); short protein forms D296E, D326E, D333E, D199E, D313E, D316E, D310E.
Identifiers: ClinVar variation 1956096 (VCV001956096.5), dbSNP rs200952455, ClinGen allele CA347364197.
Genomic context (GRCh38, chr2:74,370,670, plus strand): 5'-GGGCCCCTTACCCTTCTCTTCAATCTCAGCCTTGAGGATCTCTAAGTCAGTAGTGAGCTC[G>T]TCCACCCGCTCCTTCAGTGCCTCCACCTCCTGCTGCAGGGACTCAGCCCGCTCTTCAGCC-3'
Protein context (NP_004073.2, residues 323-343): QEVEALKERV[Asp333Glu]ELTTDLEILK